The following is an entry in ClinVar:

NM_203446.3(SYNJ1):c.2782G>A (p.Val928Ile)

Gene: SYNJ1 (synaptojanin 1; minus strand). Cytogenetic location: 21q22.11.
Variant type: single nucleotide variant.
Coding change: c.2782G>A on transcript NM_203446.3 (MANE Select); coding-DNA position 2782, G replaced by A.
Protein change: p.Val928Ile; replaces valine 928 with isoleucine.
Molecular consequence: missense variant.
Genome position (GRCh38, 1-based): chr21:32,656,700, C>T on the plus strand (G>A on the coding strand, the complement: SYNJ1 is on the minus strand). VCF-style: chr21-32656700-C-T. GRCh37 (hg19) VCF-style: chr21-34029010-C-T.
Other names: c.2782G>A, p.Val928Ile (NM_001160302.2); c.2767G>A, p.Val923Ile (NM_001160306.2); c.2899G>A, p.Val967Ile (NM_003895.4); short protein forms V923I, V928I, V967I.
Identifiers: ClinVar variation 859863 (VCV000859863.9), dbSNP rs1327987813, ClinGen allele CA410073154.

ClinVar aggregate classification (germline): Uncertain significance (1 of 4 stars; one submission).

Conditions:
Developmental and epileptic encephalopathy, 53. Also called: Epileptic encephalopathy, early infantile, 53. Identifiers: MedGen C4479313, MONDO:0033362, OMIM 617389.
Early-onset Parkinson disease 20. Also called: PARKINSON DISEASE 20, AUTOSOMAL RECESSIVE EARLY-ONSET. Identifiers: Orphanet 391411, MedGen C3809824, MONDO:0014233, OMIM 615530.

Allele frequency attached by ClinVar (database versions not stated): gnomAD exomes 0.00001.
gnomAD v4.1: 4 of 1,613,154 alleles (0.00025%); highest among the groups gnomAD compares: Admixed American, 0.0067%; no homozygotes.

Submission:

Labcorp Genetics (formerly Invitae), Labcorp
Classification: Uncertain significance for Developmental and epileptic encephalopathy, 53; Early-onset Parkinson disease 20. Last evaluated: 2024-11-15. Review status: criteria provided, single submitter. Criteria: Invitae Variant Classification Sherloc (09022015). Collection method: clinical testing. Allele origin: germline.
Comment: This sequence change replaces valine, which is neutral and non-polar, with isoleucine, which is neutral and non-polar, at codon 967 of the SYNJ1 protein (p.Val967Ile). This variant is present in population databases (no rsID available, gnomAD 0.006%). This variant has not been reported in the literature in individuals affected with SYNJ1-related conditions. ClinVar contains an entry for this variant (Variation ID: 859863). Invitae Evidence Modeling of protein sequence and biophysical properties (such as structural, functional, and spatial information, amino acid conservation, physicochemical variation, residue mobility, and thermodynamic stability) indicates that this missense variant is not expected to disrupt SYNJ1 protein function with a negative predictive value of 80%. In summary, the available evidence is currently insufficient to determine the role of this variant in disease. Therefore, it has been classified as a Variant of Uncertain Significance.